The following is an entry in ClinVar:

ClinVar aggregate classification (germline): Uncertain significance. Review status: criteria provided, multiple submitters, no conflicts (2 of 4 stars). 3 submissions from 3 submitters: Uncertain significance (3). Last evaluated 2024-03-07.

Conditions:
Hereditary cancer-predisposing syndrome. Also called: Hereditary neoplastic syndrome; Neoplastic Syndromes, Hereditary; Tumor predisposition; Hereditary Cancer Syndrome. Identifiers: Orphanet 140162, MedGen C0027672, MeSH D009386, MONDO:0015356.
Familial cancer of breast. Also called: Hereditary breast cancer; hereditary breast carcinoma; BREAST CANCER, FAMILIAL. Identifiers: Orphanet 227535, MedGen C0346153, MONDO:0016419, OMIM 114480. Disease mechanism: loss of function.

Submissions (3):

Color Diagnostics, LLC DBA Color Health
Classification: Uncertain significance for Hereditary cancer-predisposing syndrome. Last evaluated: 2024-03-07. Review status: criteria provided, single submitter. Criteria: ACMG Guidelines, 2015. Collection method: clinical testing. Allele origin: germline.
Comment: This missense variant replaces aspartic acid with histidine at codon 536 of the BARD1 protein. Computational prediction suggests that this variant may not impact protein structure and function (internally defined REVEL score threshold <= 0.5, PMID: 27666373). To our knowledge, functional studies have not been reported for this variant. This variant has not been reported in individuals affected with hereditary cancer in the literature. This variant has not been identified in the general population by the Genome Aggregation Database (gnomAD). The available evidence is insufficient to determine the role of this variant in disease conclusively. Therefore, this variant is classified as a Variant of Uncertain Significance.

Labcorp Genetics (formerly Invitae), Labcorp
Classification: Uncertain significance for Familial cancer of breast. Last evaluated: 2022-06-16. Review status: criteria provided, single submitter. Criteria: Invitae Variant Classification Sherloc (09022015). Collection method: clinical testing. Allele origin: germline.
Comment: ClinVar contains an entry for this variant (Variation ID: 947317). In summary, the available evidence is currently insufficient to determine the role of this variant in disease. Therefore, it has been classified as a Variant of Uncertain Significance. Algorithms developed to predict the effect of missense changes on protein structure and function (SIFT, PolyPhen-2, Align-GVGD) all suggest that this variant is likely to be tolerated. This variant has not been reported in the literature in individuals affected with BARD1-related conditions. This variant is not present in population databases (gnomAD no frequency). This sequence change replaces aspartic acid, which is acidic and polar, with histidine, which is basic and polar, at codon 536 of the BARD1 protein (p.Asp536His).

Ambry Genetics
Classification: Uncertain significance for Hereditary cancer-predisposing syndrome. Last evaluated: 2022-02-05. Review status: criteria provided, single submitter. Criteria: Ambry Variant Classification Scheme 2023. Collection method: clinical testing. Allele origin: germline.
Comment: The p.D536H variant (also known as c.1606G>C), located in coding exon 7 of the BARD1 gene, results from a G to C substitution at nucleotide position 1606. The aspartic acid at codon 536 is replaced by histidine, an amino acid with similar properties. This amino acid position is conserved. In addition, this alteration is predicted to be tolerated by in silico analysis. Since supporting evidence is limited at this time, the clinical significance of this alteration remains unclear.

NM_000465.4(BARD1):c.1606G>C (p.Asp536His)

Gene: BARD1 (BRCA1 associated RING domain 1; minus strand). Cytogenetic location: 2q35.
Variant type: single nucleotide variant.
Coding change: c.1606G>C on transcript NM_000465.4 (MANE Select); coding-DNA position 1606, G replaced by C.
Protein change: p.Asp536His; replaces aspartic acid 536 with histidine.
Molecular consequence: missense variant. On other transcripts: non-coding transcript variant (3), intron variant (1).
Genome position (GRCh38, 1-based): chr2:214,752,518, C>G on the plus strand (G>C on the coding strand, the complement: BARD1 is on the minus strand). VCF-style: chr2-214752518-C-G. GRCh37 (hg19) VCF-style: chr2-215617242-C-G.
Other names: c.1549G>C, p.Asp517His (NM_001282543.2); c.253G>C, p.Asp85His (NM_001282545.2); c.196G>C, p.Asp66His (NM_001282548.2); c.365-22010G>C (NM_001282549.2); short protein forms D517H, D85H, D536H, D66H.
Identifiers: ClinVar variation 947317 (VCV000947317.15), dbSNP rs866000739, ClinGen allele CA350454901.